The following is an entry in ClinVar:

ClinVar aggregate classification (germline): Likely benign (1 of 4 stars; one submission).

Allele frequency attached by ClinVar (database versions not stated): gnomAD exomes 0.00152; gnomAD 0.01251 and 0.01337; 1000 Genomes Project 0.01358; TOPMed 0.01409; 1000 Genomes Project 30x 0.01546.

Submission:

GeneDx
Classification: Likely benign. Last evaluated: 2018-06-16. Review status: criteria provided, single submitter. Criteria: GeneDx Variant Classification (06012015). Collection method: clinical testing. Allele origin: germline. Affected: yes.
Comment: This variant is considered likely benign or benign based on one or more of the following criteria: it is a conservative change, it occurs at a poorly conserved position in the protein, it is predicted to be benign by multiple in silico algorithms, and/or has population frequency not consistent with disease.

NM_001079802.2(FKTN):c.105+129del

Gene: FKTN (fukutin; plus strand). Cytogenetic location: 9q31.2.
Variant type: Deletion.
Coding change: c.105+129del on transcript NM_001079802.2 (MANE Select); 129 bases into the intron after coding-DNA position 105, one base deleted (C; older notation c.105+129delC).
Molecular consequence: intron variant.
Genome position (GRCh38, 1-based): chr9:105,575,266, C deleted. VCF-style (leftmost placement, unchanged base first): chr9-105575265-GC-G. GRCh37 (hg19) VCF-style: chr9-108337546-GC-G.
Other names: c.105+129del (NM_006731.2, NM_001351496.2, NM_001198963.2 and 1 more transcripts); c.-410+129del (NM_001351502.2, NM_001351499.2, NM_001351500.2 and 1 more transcripts); c.-63+129del (NM_001351497.2); c.105+129delC (NM_001079802.1).
Identifiers: ClinVar variation 675668 (VCV000675668.1), dbSNP rs112124536, ClinGen allele CA197413311.